The following is an entry in ClinVar:

NM_001033044.4(GLUL):c.*1958G>A

Gene: GLUL (glutamate-ammonia ligase; minus strand). Cytogenetic location: 1q25.3.
Variant type: single nucleotide variant.
Coding change: c.*1958G>A on transcript NM_001033044.4 (MANE Select); 1958 bases downstream of the stop codon, G replaced by A.
Molecular consequence: 3 prime UTR variant.
Genome position (GRCh38, 1-based): chr1:182,382,447, C>T on the plus strand (G>A on the coding strand, the complement: GLUL is on the minus strand). VCF-style: chr1-182382447-C-T. GRCh37 (hg19) VCF-style: chr1-182351582-C-T.
Other names: c.*1958G>A (NM_001033056.4, NM_002065.7).
Identifiers: ClinVar variation 293898 (VCV000293898.5), dbSNP rs79056692, ClinGen allele CA10608339.

ClinVar aggregate classification (germline): Benign (1 of 4 stars; one submission).

Conditions:
Congenital brain dysgenesis due to glutamine synthetase deficiency (GLND). Also called: GLUTAMINE SYNTHASE DEFICIENCY, CONGENITAL SYSTEMIC. Identifiers: Orphanet 71278, MedGen C1864910, MONDO:0012393, OMIM 610015.

Allele frequency attached by ClinVar (database versions not stated): gnomAD 0.01279 and 0.01333; TOPMed 0.01293; 1000 Genomes Project 30x 0.00656; 1000 Genomes Project 0.00719.

Submission:

Illumina Laboratory Services, Illumina
Classification: Benign for Congenital brain dysgenesis due to glutamine synthetase deficiency. Last evaluated: 2018-01-12. Review status: criteria provided, single submitter. Criteria: ICSL Variant Classification Criteria 13 December 2019. Collection method: clinical testing. Allele origin: germline.
Comment: This variant was observed in the ICSL laboratory as part of a predisposition screen in an ostensibly healthy population. It had not been previously curated by ICSL or reported in the Human Gene Mutation Database (HGMD: prior to June 1st, 2018), and was therefore a candidate for classification through an automated scoring system. Utilizing variant allele frequency, disease prevalence and penetrance estimates, and inheritance mode, an automated score was calculated to assess if this variant is too frequent to cause the disease. Based on the score and internal cut-off values, a variant classified as benign is not then subjected to further curation. The score for this variant resulted in a classification of benign for this disease.